The following is an entry in ClinVar:

NM_032237.5(POMK):c.907C>T (p.Arg303Ter)

Gene: POMK (protein O-mannose kinase; plus strand). Cytogenetic location: 8p11.21.
Variant type: single nucleotide variant.
Coding change: c.907C>T on transcript NM_032237.5 (MANE Select); coding-DNA position 907, C replaced by T.
Protein change: p.Arg303Ter; replaces arginine 303 with a stop codon.
Molecular consequence: nonsense.
Genome position (GRCh38, 1-based): chr8:43,122,731, C>T. VCF-style: chr8-43122731-C-T. GRCh37 (hg19) VCF-style: chr8-42977874-C-T.
Other names: c.907C>T, p.Arg303Ter (NM_001277971.2); short protein forms R303*.
Identifiers: ClinVar variation 1323591 (VCV001323591.10), dbSNP rs528307346, ClinGen allele CA4736375.

ClinVar aggregate classification (germline): Pathogenic/Likely pathogenic. Review status: criteria provided, multiple submitters, no conflicts (2 of 4 stars). 3 submissions from 3 submitters: Pathogenic (2); Likely pathogenic (1). Last evaluated 2023-10-03.

Conditions:
Muscular dystrophy-dystroglycanopathy (congenital with brain and eye anomalies), type a, 12 (MDDGA12). Also called: WALKER-WARBURG SYNDROME OR MUSCLE-EYE-BRAIN DISEASE, POMK-RELATED. Identifiers: Orphanet 899, MedGen C3808964, MONDO:0014101, OMIM 615249.
Limb-girdle muscular dystrophy due to POMK deficiency. Also called: Muscular dystrophy-dystroglycanopathy (limb-girdle), type c, 12; MUSCULAR DYSTROPHY-DYSTROGLYCANOPATHY, LIMB-GIRDLE, POMK-RELATED. Identifiers: Orphanet 445110, MedGen C4015184, MONDO:0014489, OMIM 616094.

Allele frequency attached by ClinVar (database versions not stated): gnomAD 0.00001; TOPMed 0.00001; ExAC 0.00002; gnomAD exomes 0.00002; 1000 Genomes Project 30x 0.00016; 1000 Genomes Project 0.00020.
gnomAD v4.1: 31 of 1,614,126 alleles (0.0019%); highest among the groups gnomAD compares: East Asian, 0.0045%; no homozygotes.

Submissions (3):

Labcorp Genetics (formerly Invitae), Labcorp
Classification: Pathogenic for Muscular dystrophy-dystroglycanopathy (congenital with brain and eye anomalies), type a, 12; Limb-girdle muscular dystrophy due to POMK deficiency. Last evaluated: 2023-10-03. Review status: criteria provided, single submitter. Criteria: Invitae Variant Classification Sherloc (09022015). Collection method: clinical testing. Allele origin: germline.
Comment: This sequence change creates a premature translational stop signal (p.Arg303*) in the POMK gene. While this is not anticipated to result in nonsense mediated decay, it is expected to disrupt the last 48 amino acid(s) of the POMK protein. This variant is present in population databases (rs528307346, gnomAD 0.01%). This variant has not been reported in the literature in individuals affected with POMK-related conditions. ClinVar contains an entry for this variant (Variation ID: 1323591). This variant disrupts a region of the POMK protein in which other variant(s) (p.Pro322Leu) have been determined to be pathogenic (PMID: 29910097, 30060766). This suggests that this is a clinically significant region of the protein, and that variants that disrupt it are likely to be disease-causing. For these reasons, this variant has been classified as Pathogenic.

Baylor Genetics
Classification: Likely pathogenic for Limb-girdle muscular dystrophy due to POMK deficiency. Last evaluated: 2023-09-21. Review status: criteria provided, single submitter. Criteria: ACMG Guidelines, 2015. Collection method: clinical testing. Allele origin: unknown.

Revvity Omics, Revvity
Classification: Pathogenic. Last evaluated: 2020-02-19. Review status: criteria provided, single submitter. Criteria: ACMG Guidelines, 2015. Collection method: clinical testing. Allele origin: germline.

Literature cited by the submitters: PubMed 29910097 (cited by Labcorp Genetics (formerly Invitae), Labcorp); PubMed 30060766 (cited by Labcorp Genetics (formerly Invitae), Labcorp).